The following is an entry in ClinVar:

ClinVar aggregate classification (germline): Likely benign. Review status: criteria provided, multiple submitters, no conflicts (2 of 4 stars). 3 submissions from 3 submitters: Likely benign (3). Last evaluated 2025-03-07.

Allele frequency attached by ClinVar (database versions not stated): TOPMed below 0.00001; gnomAD 0.00001; gnomAD exomes 0.00006 and 0.00010; ExAC 0.00013.
gnomAD v4.1: 79 of 1,613,020 alleles (0.0049%); highest among the groups gnomAD compares: South Asian, 0.08%; no homozygotes.

Submissions (3):

Labcorp Genetics (formerly Invitae), Labcorp
Classification: Likely benign. Last evaluated: 2025-03-07. Review status: criteria provided, single submitter. Criteria: Invitae Variant Classification Sherloc (09022015). Collection method: clinical testing. Allele origin: germline.

Blueprint Genetics
Classification: Likely benign. Last evaluated: 2024-11-13. Review status: criteria provided, single submitter. Criteria: ACMG Guidelines, 2015. Collection method: clinical testing. Allele origin: germline.

CeGaT Center for Human Genetics Tuebingen
Classification: Likely benign. Last evaluated: 2022-12-01. Review status: criteria provided, single submitter. Criteria: CeGaT Center For Human Genetics Tuebingen Variant Classification Criteria Version 2. Collection method: clinical testing. Allele origin: germline. Affected: yes. Observed: 1 variant allele.
Comment: BLK: BP4, BP7

NM_001715.3(BLK):c.108G>A (p.Pro36=)

Gene: BLK (BLK proto-oncogene, Src family tyrosine kinase). Cytogenetic location: 8p23.1.
Variant type: single nucleotide variant.
Coding change: c.108G>A on transcript NM_001715.3 (MANE Select); coding-DNA position 108, G replaced by A.
Protein change: p.Pro36=; no amino-acid change (proline 36 retained).
Molecular consequence: synonymous variant. On other transcripts: intron variant (1).
Genome position (GRCh38, 1-based): chr8:11,543,332, G>A. VCF-style: chr8-11543332-G-A. GRCh37 (hg19) VCF-style: chr8-11400841-G-A.
Other names: c.-90-2720G>A (NM_001330465.2).
Identifiers: ClinVar variation 1460936 (VCV001460936.32), dbSNP rs764310667, ClinGen allele CA4629665.